The following is an entry in ClinVar:

NM_181507.2(HPS5):c.823A>G (p.Arg275Gly)

Gene: HPS5 (HPS5 biogenesis of lysosomal organelles complex 2 subunit 2; minus strand). Cytogenetic location: 11p15.1.
Variant type: single nucleotide variant.
Coding change: c.823A>G on transcript NM_181507.2 (MANE Select); coding-DNA position 823, A replaced by G.
Protein change: p.Arg275Gly; replaces arginine 275 with glycine.
Molecular consequence: missense variant.
Genome position (GRCh38, 1-based): chr11:18,306,136, T>C on the plus strand (A>G on the coding strand, the complement: HPS5 is on the minus strand). VCF-style: chr11-18306136-T-C. GRCh37 (hg19) VCF-style: chr11-18327683-T-C.
Other names: c.481A>G, p.Arg161Gly (NM_007216.4, NM_181508.2); short protein forms R161G, R275G.
Identifiers: ClinVar variation 2057608 (VCV002057608.4), dbSNP rs2494097945, ClinGen allele CA379501624.
Genomic context (GRCh38, chr11:18,306,136, plus strand): 5'-CACCGAACCTCTATATAGAAGCTCTTCAAACAATCCCAACCAGCCATACAAATCGTTACC[T>C]GAGAGTAATCACAGGGAGAGGTGGCAACGAGAGGAGTTTCTTGAACTGATGTGTACTTAT-3'
Protein context (NP_852608.1, residues 265-285): SLPPLPVITL[Arg275Gly]SEPQYDHTAG

ClinVar aggregate classification (germline): Uncertain significance (1 of 4 stars; one submission).

Submission:

Labcorp Genetics (formerly Invitae), Labcorp
Classification: Uncertain significance. Last evaluated: 2025-04-14. Review status: criteria provided, single submitter. Criteria: Invitae Variant Classification Sherloc (09022015). Collection method: clinical testing. Allele origin: germline.
Comment: This sequence change replaces arginine, which is basic and polar, with glycine, which is neutral and non-polar, at codon 275 of the HPS5 protein (p.Arg275Gly). This variant is not present in population databases (gnomAD no frequency). This variant has not been reported in the literature in individuals affected with HPS5-related conditions. ClinVar contains an entry for this variant (Variation ID: 2057608). An algorithm developed to predict the effect of missense changes on protein structure and function (PolyPhen-2) suggests that this variant is likely to be disruptive. Algorithms developed to predict the effect of sequence changes on RNA splicing suggest that this variant may disrupt the consensus splice site. In summary, the available evidence is currently insufficient to determine the role of this variant in disease. Therefore, it has been classified as a Variant of Uncertain Significance.